The following is an entry in ClinVar:

NM_138694.4(PKHD1):c.6683-2A>G

Gene: PKHD1 (PKHD1 ciliary IPT domain containing fibrocystin/polyductin; minus strand). Cytogenetic location: 6p12.2.
Variant type: single nucleotide variant.
Coding change: c.6683-2A>G on transcript NM_138694.4 (MANE Select); the canonical splice acceptor site of the intron before coding-DNA position 6683, A replaced by G.
Molecular consequence: splice acceptor variant.
Genome position (GRCh38, 1-based): chr6:51,906,342, T>C on the plus strand (A>G on the coding strand, the complement: PKHD1 is on the minus strand). VCF-style: chr6-51906342-T-C. GRCh37 (hg19) VCF-style: chr6-51771140-T-C.
Other names: c.6683-2A>G (NM_170724.3, NM_138694.3).
Identifiers: ClinVar variation 2677854 (VCV002677854.4), dbSNP rs2127637373, ClinGen allele CA364433354.

ClinVar aggregate classification (germline): Likely pathogenic. Review status: criteria provided, multiple submitters, no conflicts (2 of 4 stars). 3 submissions from 3 submitters: Likely pathogenic (2). 1 of the submissions does not count toward it. Last evaluated 2023-05-24.

Conditions:
Polycystic kidney disease 4 (PKD4). Also called: Autosomal Recessive Polycystic Kidney Disease – PKHD1; POLYCYSTIC KIDNEY AND HEPATIC DISEASE 1; POLYCYSTIC KIDNEY DISEASE, INFANTILE, TYPE I; POLYCYSTIC KIDNEY DISEASE 4 WITH OR WITHOUT POLYCYSTIC LIVER DISEASE; PKD3. Identifiers: MedGen C4540575, MONDO:0033004, OMIM 263200.
PKHD1-related disorder. Also called: PKHD1-related condition.

Allele frequency attached by ClinVar (database versions not stated): gnomAD exomes below 0.00001.
gnomAD v4.1: 3 of 1,610,682 alleles (0.00019%); highest among the groups gnomAD compares: Non-Finnish European, 0.00025%; no homozygotes.

Submissions (3):

Blueprint Genetics
Classification: Likely pathogenic for PKHD1-related disorders. Last evaluated: 2023-05-24. Review status: criteria provided, single submitter. Criteria: ACMG Guidelines, 2015. Collection method: clinical testing. Allele origin: germline. Affected: yes. Observed: 1 variant allele.

Baylor Genetics
Classification: Likely pathogenic for Polycystic kidney disease 4. Last evaluated: 2022-12-22. Review status: criteria provided, single submitter. Criteria: ACMG Guidelines, 2015. Collection method: clinical testing. Allele origin: unknown.

PreventionGenetics, part of Exact Sciences
Classification: Pathogenic for PKHD1-related condition. Last evaluated: 2023-12-21. Review status: no assertion criteria provided. Collection method: clinical testing. Allele origin: germline. Not counted in ClinVar's aggregate classification.
Comment: The PKHD1 c.6683-2A>G variant is predicted to disrupt the AG splice acceptor site and interfere with normal splicing. To our knowledge, this variant has not been reported in the literature or in a large population database, indicating this variant is rare. Variants that disrupt the consensus splice acceptor site in PKHD1 are expected to be pathogenic. This variant is interpreted as pathogenic.